The following is an entry in ClinVar:

ClinVar aggregate classification (germline): Uncertain significance (1 of 4 stars; one submission).

Conditions:
Hereditary cancer-predisposing syndrome. Also called: Tumor predisposition; Hereditary Cancer Syndrome; Hereditary neoplastic syndrome; Neoplastic Syndromes, Hereditary. Identifiers: Orphanet 140162, MedGen C0027672, MeSH D009386, MONDO:0015356.

Submission:

Ambry Genetics
Classification: Uncertain significance for Hereditary cancer-predisposing syndrome. Last evaluated: 2025-10-11. Review status: criteria provided, single submitter. Criteria: Ambry Variant Classification Scheme 2023. Collection method: clinical testing. Allele origin: germline.
Comment: The p.S105L variant (also known as c.314C>T), located in coding exon 2 of the RAD51C gene, results from a C to T substitution at nucleotide position 314. The serine at codon 105 is replaced by leucine, an amino acid with dissimilar properties. This amino acid position is conserved. In addition, the in silico prediction for this alteration is inconclusive. Based on the available evidence, the clinical significance of this variant remains unclear.

NM_058216.3(RAD51C):c.314C>T (p.Ser105Leu)

Gene: RAD51C (RAD51 paralog C; plus strand). Cytogenetic location: 17q22.
Variant type: single nucleotide variant.
Coding change: c.314C>T on transcript NM_058216.3 (MANE Select); coding-DNA position 314, C replaced by T.
Protein change: p.Ser105Leu; replaces serine 105 with leucine.
Molecular consequence: missense variant. On other transcripts: non-coding transcript variant (2).
Genome position (GRCh38, 1-based): chr17:58,695,099, C>T. VCF-style: chr17-58695099-C-T. GRCh37 (hg19) VCF-style: chr17-56772460-C-T.
Other names: c.314C>T, p.Ser105Leu (NM_002876.4); short protein forms S105L.
Identifiers: ClinVar variation 4542563 (VCV004542563.1).
Genomic context (GRCh38, chr17:58,695,099, plus strand): 5'-GTACAGCACTGGAACTTCTTGAGCAGGAGCATACCCAGGGCTTCATAATCACCTTCTGTT[C>T]AGCACTAGATGATATTCTTGGGGGTGGAGTGCCCTTAATGAAAACAACAGAAATTTGTGG-3'
Protein context (NP_478123.1, residues 95-115): HTQGFIITFC[Ser105Leu]ALDDILGGGV